The following is an entry in ClinVar:

ClinVar aggregate classification (germline): Pathogenic. Review status: criteria provided, multiple submitters, no conflicts (2 of 4 stars). 2 submissions from 2 submitters: Pathogenic (2). Last evaluated 2023-07-28.

Conditions:
Mucopolysaccharidosis type 6 (MPS6). Also called: N-ACETYLGALACTOSAMINE-4-SULFATASE DEFICIENCY; MPS VI; MPS 6; Maroteaux Lamy syndrome; ARSB DEFICIENCY; ARYLSULFATASE B DEFICIENCY. Identifiers: Orphanet 583, MedGen C0026709, MONDO:0009661, OMIM 253200.

Submissions (2):

Labcorp Genetics (formerly Invitae), Labcorp
Classification: Pathogenic for Mucopolysaccharidosis type 6. Last evaluated: 2023-07-28. Review status: criteria provided, single submitter. Criteria: Invitae Variant Classification Sherloc (09022015). Collection method: clinical testing. Allele origin: germline.
Comment: For these reasons, this variant has been classified as Pathogenic. ClinVar contains an entry for this variant (Variation ID: 559831). This premature translational stop signal has been observed in individual(s) with mucopolysaccharidosis type VI (PMID: 17643332, 26909334; Invitae). This variant is not present in population databases (gnomAD no frequency). This sequence change creates a premature translational stop signal (p.Trp322*) in the ARSB gene. It is expected to result in an absent or disrupted protein product. Loss-of-function variants in ARSB are known to be pathogenic (PMID: 17458871, 22133300).

Laboratory of Diagnosis and Therapy of Lysosomal Disorders, University of Padova
Classification: Pathogenic for Mucopolysaccharidosis type 6. Last evaluated: 2018-01-01. Review status: criteria provided, single submitter. Criteria: ACMG Guidelines, 2015. Collection method: curation. Allele origin: germline. Affected: yes.
Comment: Nonsense variant (PVS1); In vitro functional studies supportive of a damaging effect on the gene product (low to no ARSB activity in homozygotes; PS3); Absent from GnomAD (PM2)

Literature cited by the submitters: PubMed 17643332 (cited by Labcorp Genetics (formerly Invitae), Labcorp and Laboratory of Diagnosis and Therapy of Lysosomal Disorders, University of Padova); PubMed 26909334 (cited by Labcorp Genetics (formerly Invitae), Labcorp and Laboratory of Diagnosis and Therapy of Lysosomal Disorders, University of Padova); PubMed 17458871 (cited by Labcorp Genetics (formerly Invitae), Labcorp); PubMed 22133300 (cited by Labcorp Genetics (formerly Invitae), Labcorp); PubMed 18406185 (cited by Laboratory of Diagnosis and Therapy of Lysosomal Disorders, University of Padova); PubMed 30118150 (cited by Laboratory of Diagnosis and Therapy of Lysosomal Disorders, University of Padova).

NM_000046.5(ARSB):c.966G>A (p.Trp322Ter)

Gene: ARSB (arylsulfatase B; minus strand). Cytogenetic location: 5q14.1.
Variant type: single nucleotide variant.
Coding change: c.966G>A on transcript NM_000046.5 (MANE Select); coding-DNA position 966, G replaced by A.
Protein change: p.Trp322Ter; replaces tryptophan 322 with a stop codon.
Molecular consequence: nonsense.
Genome position (GRCh38, 1-based): chr5:78,885,760, C>T on the plus strand (G>A on the coding strand, the complement: ARSB is on the minus strand). VCF-style: chr5-78885760-C-T. GRCh37 (hg19) VCF-style: chr5-78181583-C-T.
Other names: c.966G>A, p.Trp322Ter (NM_198709.3); short protein forms W322*.
Identifiers: ClinVar variation 559831 (VCV000559831.9), dbSNP rs1554079318, ClinGen allele CA360343304.